The following is an entry in ClinVar:

NM_001458.5(FLNC):c.367G>A (p.Val123Met)

Gene: FLNC (filamin C; plus strand). Cytogenetic location: 7q32.1.
Variant type: single nucleotide variant.
Coding change: c.367G>A on transcript NM_001458.5 (MANE Select); coding-DNA position 367, G replaced by A.
Protein change: p.Val123Met; replaces valine 123 with methionine.
Molecular consequence: missense variant.
Genome position (GRCh38, 1-based): chr7:128,835,340, G>A. VCF-style: chr7-128835340-G-A. GRCh37 (hg19) VCF-style: chr7-128475394-G-A.
Other names: c.367G>A, p.Val123Met (NM_001127487.2); short protein forms V123M.
Identifiers: ClinVar variation 2689075 (VCV002689075.5), dbSNP rs771153026, ClinGen allele CA4474028.

ClinVar aggregate classification (germline): Uncertain significance. Review status: criteria provided, multiple submitters, no conflicts (2 of 4 stars). 3 submissions from 3 submitters: Uncertain significance (3). Last evaluated 2025-12-03.

Conditions:
Cardiovascular phenotype. Identifiers: MedGen CN230736.
Myofibrillar myopathy 5. Also called: Filaminopathy (type); FILAMINOPATHY, AUTOSOMAL DOMINANT. Identifiers: Orphanet 171445, MedGen C1836050, MONDO:0012289, OMIM 609524.
Distal myopathy with posterior leg and anterior hand involvement. Also called: WILLIAMS DISTAL MYOPATHY. Identifiers: Orphanet 63273, MedGen C3279722, MONDO:0013550, OMIM 614065.
Hypertrophic cardiomyopathy 26. Also called: Cardiomyopathy, familial hypertrophic, 26. Identifiers: Orphanet 75249, MedGen C4310749, MONDO:0014883, OMIM 617047.

Allele frequency attached by ClinVar (database versions not stated): ExAC 0.00001; gnomAD 0.00001; TOPMed 0.00001.

Submissions (3):

Ambry Genetics
Classification: Uncertain significance for Cardiovascular phenotype. Last evaluated: 2025-12-03. Review status: criteria provided, single submitter. Criteria: Ambry Variant Classification Scheme 2023. Collection method: clinical testing. Allele origin: germline.
Comment: The p.V123M variant (also known as c.367G>A), located in coding exon 2 of the FLNC gene, results from a G to A substitution at nucleotide position 367. The valine at codon 123 is replaced by methionine, an amino acid with highly similar properties. This variant was reported in individual(s) with features consistent with dilated cardiomyopathy (DCM) and myopathy (Verdonschot JAJ et al. Hum Mutat, 2020 Jun;41:1091-1111; &Ccedil;avdarl B et al. Ann Hum Genet, 2023 May;87:104-114). This amino acid position is highly conserved in available vertebrate species. In addition, this alteration is predicted to be deleterious by in silico analysis. Based on the available evidence, the clinical significance of this variant remains unclear.

Labcorp Genetics (formerly Invitae), Labcorp
Classification: Uncertain significance for Distal myopathy with posterior leg and anterior hand involvement; Myofibrillar myopathy 5; Hypertrophic cardiomyopathy 26. Last evaluated: 2025-06-11. Review status: criteria provided, single submitter. Criteria: Invitae Variant Classification Sherloc (09022015). Collection method: clinical testing. Allele origin: germline.
Comment: This sequence change replaces valine, which is neutral and non-polar, with methionine, which is neutral and non-polar, at codon 123 of the FLNC protein (p.Val123Met). This variant is not present in population databases (gnomAD no frequency). This missense change has been observed in individual(s) with dilated cardiomyopathy (PMID: 32112656). ClinVar contains an entry for this variant (Variation ID: 2689075). Invitae Evidence Modeling of protein sequence and biophysical properties (such as structural, functional, and spatial information, amino acid conservation, physicochemical variation, residue mobility, and thermodynamic stability) has been performed for this missense variant. However, the output from this modeling did not meet the statistical confidence thresholds required to predict the impact of this variant on FLNC protein function. In summary, the available evidence is currently insufficient to determine the role of this variant in disease. Therefore, it has been classified as a Variant of Uncertain Significance.

Revvity Omics, Revvity
Classification: Uncertain significance. Last evaluated: 2023-05-03. Review status: criteria provided, single submitter. Criteria: ACMG Guidelines, 2015. Collection method: clinical testing. Allele origin: germline.

Literature cited by the submitters: PubMed 32112656 (cited by Ambry Genetics and Labcorp Genetics (formerly Invitae), Labcorp); PubMed 36575883 (cited by Ambry Genetics).